The following is an entry in ClinVar:

NM_001379500.1(COL18A1):c.107-12408G>A

Gene: COL18A1 (collagen type XVIII alpha 1 chain; plus strand). Cytogenetic location: 21q22.3.
Variant type: single nucleotide variant.
Coding change: c.107-12408G>A on transcript NM_001379500.1 (MANE Select); 12408 bases into the intron before coding-DNA position 107, G replaced by A.
Molecular consequence: intron variant. On other transcripts: missense variant (2).
Genome position (GRCh38, 1-based): chr21:45,455,834, G>A. VCF-style: chr21-45455834-G-A. GRCh37 (hg19) VCF-style: chr21-46875748-G-A.
Other names: c.304G>A, p.Ala102Thr (NM_030582.4, NM_130444.3); c.304G>A (NM_030582.3); short protein forms A102T.
Identifiers: ClinVar variation 1420982 (VCV001420982.4), dbSNP rs771588051, ClinGen allele CA10065433.

ClinVar aggregate classification (germline): Uncertain significance. Review status: criteria provided, multiple submitters, no conflicts (2 of 4 stars). 2 submissions from 2 submitters: Uncertain significance (2). Last evaluated 2026-07-10.

Conditions:
COL18A1-related disorder. Also called: COL18A1-related disorders; COL18A1-related condition.

Allele frequency attached by ClinVar (database versions not stated): gnomAD exomes 0.00002; ExAC 0.00003; gnomAD 0.00003; TOPMed 0.00005.
gnomAD v4.1: 26 of 1,613,114 alleles (0.0016%); highest among the groups gnomAD compares: Middle Eastern, 0.016%; no homozygotes.

Submissions (2):

PreventionGenetics, part of Exact Sciences
Classification: Uncertain significance for COL18A1-related condition. Last evaluated: 2026-07-10. Review status: criteria provided, single submitter. Criteria: ACMG Guidelines, 2015. Collection method: clinical testing. Allele origin: germline.
Comment: The COL18A1 c.304G>A variant is predicted to result in the amino acid substitution p.Ala102Thr. To our knowledge, this variant has not been reported in the literature. This variant is reported in 0.010% of alleles in individuals of East Asian descent in gnomAD. At this time, the clinical significance of this variant is uncertain due to the absence of conclusive functional and genetic evidence.

Labcorp Genetics (formerly Invitae), Labcorp
Classification: Uncertain significance. Last evaluated: 2022-08-20. Review status: criteria provided, single submitter. Criteria: Invitae Variant Classification Sherloc (09022015). Collection method: clinical testing. Allele origin: germline.
Comment: The COL18A1 gene has multiple clinically relevant transcripts. This variant occurs in alternate transcript NM_030582.4, and corresponds to NM_130445.2:c.107-12408G>A in the primary transcript. This sequence change replaces alanine, which is neutral and non-polar, with threonine, which is neutral and polar, at codon 102 of the COL18A1 protein (p.Ala102Thr). This variant is present in population databases (rs771588051, gnomAD 0.01%). This variant has not been reported in the literature in individuals affected with COL18A1-related conditions. ClinVar contains an entry for this variant (Variation ID: 1420982). Experimental studies and prediction algorithms are not available or were not evaluated, and the functional significance of this variant is currently unknown. In summary, the available evidence is currently insufficient to determine the role of this variant in disease. Therefore, it has been classified as a Variant of Uncertain Significance.